The following is an entry in ClinVar:

NM_033380.3(COL4A5):c.1033-2A>G

Gene: COL4A5 (collagen type IV alpha 5 chain; plus strand). Cytogenetic location: Xq22.3.
Variant type: single nucleotide variant.
Coding change: c.1033-2A>G on transcript NM_033380.3 (MANE Select); the canonical splice acceptor site of the intron before coding-DNA position 1033, A replaced by G.
Molecular consequence: splice acceptor variant.
Genome position (GRCh38, 1-based): chrX:108,586,613, A>G. VCF-style: chrX-108586613-A-G. GRCh37 (hg19) VCF-style: chrX-107829843-A-G.
Other names: c.1033-2A>G (NM_000495.5).
Identifiers: ClinVar variation 1077047 (VCV001077047.6), dbSNP rs2147787964, ClinGen allele CA413929549.
Genomic context (GRCh38, chrX:108,586,613, plus strand): 5'-TTCAGGAGAACAAGGCTTTTCTTCTTTGCATTTCTTTATTTTTTTTTTCTTTGGTAATAA[A>G]GGTAATTCCTAGACCTGGGACTGGTATAACTATAGGAGAAAAAGGAAACATTGGGTTGCC-3'

ClinVar aggregate classification (germline): Pathogenic/Likely pathogenic. Review status: criteria provided, multiple submitters, no conflicts (2 of 4 stars). 2 submissions from 2 submitters: Pathogenic (1); Likely pathogenic (1). Last evaluated 2022-08-12.

Conditions:
X-linked Alport syndrome (ATS1). Also called: COL4A5-Related Nephropathy; NEPHROPATHY AND DEAFNESS, X-LINKED. Identifiers: Orphanet 63, Orphanet 88917, MedGen C4746986, MONDO:0010520, OMIM 301050.

Submissions (2):

Labcorp Genetics (formerly Invitae), Labcorp
Classification: Likely pathogenic. Last evaluated: 2022-08-12. Review status: criteria provided, single submitter. Criteria: Invitae Variant Classification Sherloc (09022015). Collection method: clinical testing. Allele origin: germline.
Comment: This variant has not been reported in the literature in individuals affected with COL4A5-related conditions. This variant is not present in population databases (gnomAD no frequency). This sequence change affects an acceptor splice site in intron 18 of the COL4A5 gene. It is expected to disrupt RNA splicing. Variants that disrupt the donor or acceptor splice site typically lead to a loss of protein function (PMID: 16199547), and loss-of-function variants in COL4A5 are known to be pathogenic (PMID: 9195222, 10752524, 14514738, 24854265, 26809805). ClinVar contains an entry for this variant (Variation ID: 1077047). In summary, the currently available evidence indicates that the variant is pathogenic, but additional data are needed to prove that conclusively. Therefore, this variant has been classified as Likely Pathogenic. Algorithms developed to predict the effect of sequence changes on RNA splicing suggest that this variant may disrupt the consensus splice site.

Precision Medicine Center, Zhengzhou University
Classification: Pathogenic for X-linked Alport syndrome. Review status: criteria provided, single submitter. Criteria: ACMG Guidelines, 2015. Collection method: research. Allele origin: germline. Affected: yes.
Comment: PVS1:Null variant in the gene with established LOF as a disease mechanism PM2:not found in gnomAD PP3:Multiple lines of computational evidence support a deleterious effect on the gene or gene product

Literature cited by the submitters: PubMed 16199547 (cited by Labcorp Genetics (formerly Invitae), Labcorp); PubMed 9195222 (cited by Labcorp Genetics (formerly Invitae), Labcorp); PubMed 10752524 (cited by Labcorp Genetics (formerly Invitae), Labcorp); PubMed 14514738 (cited by Labcorp Genetics (formerly Invitae), Labcorp); PubMed 24854265 (cited by Labcorp Genetics (formerly Invitae), Labcorp); PubMed 26809805 (cited by Labcorp Genetics (formerly Invitae), Labcorp).